The following is an entry in ClinVar:

NM_020401.4(NUP107):c.2379G>A (p.Lys793=)

Gene: NUP107 (nucleoporin 107; plus strand). Cytogenetic location: 12q15.
Variant type: single nucleotide variant.
Coding change: c.2379G>A on transcript NM_020401.4 (MANE Select); coding-DNA position 2379, G replaced by A.
Protein change: p.Lys793=; no amino-acid change (lysine 793 retained).
Molecular consequence: synonymous variant.
Genome position (GRCh38, 1-based): chr12:68,734,824, G>A. VCF-style: chr12-68734824-G-A. GRCh37 (hg19) VCF-style: chr12-69128604-G-A.
Other names: c.2292G>A, p.Lys764= (NM_001330192.2).
Identifiers: ClinVar variation 3048576 (VCV003048576.2), dbSNP rs2498983619, ClinGen allele CA480433465.

ClinVar aggregate classification (germline): Likely benign (0 of 4 stars; one submission).

Conditions:
NUP107-related disorder. Also called: NUP107-related condition.

Allele frequency attached by ClinVar (database versions not stated): gnomAD exomes below 0.00001.
gnomAD v4.1: 1 of 1,611,714 alleles (0.000062%); highest among the groups gnomAD compares: Non-Finnish European, 0.000085%; no homozygotes.

Submission:

PreventionGenetics, part of Exact Sciences
Classification: Likely benign for NUP107-related condition. Last evaluated: 2023-07-14. Review status: no assertion criteria provided. Collection method: clinical testing. Allele origin: germline.
Comment: This variant is classified as likely benign based on ACMG/AMP sequence variant interpretation guidelines (Richards et al. 2015 PMID: 25741868, with internal and published modifications).